The following is an entry in ClinVar:

ClinVar aggregate classification (germline): Likely pathogenic (1 of 4 stars; one submission).

Conditions:
Hereditary acrodermatitis enteropathica (AEZ). Also called: Acrodermatitis enteropathica. Identifiers: Orphanet 37, MedGen C0221036, MONDO:0008713, OMIM 201100.

Submission:

Natera, Inc.
Classification: Likely pathogenic for Acrodermatitis enteropathica. Last evaluated: 2026-01-05. Review status: criteria provided, single submitter. Criteria: Natera Variant Classification Schema (03/2026). Collection method: clinical testing. Allele origin: germline.
Comment: The c.1735_1747del variant in SLC39A4 is a frameshift variant predicted to shift the reading frame beginning at codon 579 and leads to a stop codon 18 codons downstream. This variant is expected to result in nonsense mediated decay, truncation, or a dysfunctional protein product. This variant is rare in the general population with a frequency below the threshold expected for the associated phenotype(s). Given the available evidence, this variant is classified as Likely Pathogenic.

NM_130849.4(SLC39A4):c.1735_1747del (p.Val579fs)

Gene: SLC39A4 (solute carrier family 39 member 4; minus strand). Cytogenetic location: 8q24.3.
Variant type: Deletion.
Coding change: c.1735_1747del on transcript NM_130849.4 (MANE Select); coding-DNA positions 1735 to 1747, 13 bases deleted (GTTGGAGTCAGCG).
Protein change: p.Val579fs; shifts the reading frame from valine 579.
Molecular consequence: frameshift variant.
Genome position (GRCh38, 1-based): chr8:144,412,827-144,412,839, CGCTGACTCCAAC deleted on the plus strand (GTTGGAGTCAGCG on the coding strand, the reverse complement: SLC39A4 is on the minus strand); deleting any 13 consecutive bases within chr8:144,412,827-144,412,842 gives the same sequence; the c. name uses the placement nearest the transcript's 3' end. VCF-style (leftmost placement, unchanged base first): chr8-144412826-TCGCTGACTCCAAC-T. GRCh37 (hg19) VCF-style: chr8-145638210-TCGCTGACTCCAAC-T.
Other names: c.241_253del, p.Val81fs (NM_001280557.2); c.1453_1465del, p.Val485fs (NM_001374839.1); c.1660_1672del, p.Val554fs (NM_017767.3); short protein forms V485fs, V554fs, V579fs, V81fs.
Identifiers: ClinVar variation 4816460 (VCV004816460.1).